The following is an entry in ClinVar:

ClinVar aggregate classification (germline): Uncertain significance (1 of 4 stars; one submission).

Allele frequency attached by ClinVar (database versions not stated): ExAC 0.00011; gnomAD 0.00018; ESP Exome Variant Server 0.00034; 1000 Genomes Project 0.00040; 1000 Genomes Project 30x 0.00047.
gnomAD v4.1: 129 of 1,609,836 alleles (0.008%); highest among the groups gnomAD compares: African/African-American, 0.046%; no homozygotes.

Submission:

Ambry Genetics
Classification: Uncertain significance. Last evaluated: 2023-01-25. Review status: criteria provided, single submitter. Criteria: Ambry Variant Classification Scheme 2023. Collection method: clinical testing. Allele origin: germline.
Comment: The p.P11L variant (also known as c.32C>T), located in coding exon 1 of the ALPK2 gene, results from a C to T substitution at nucleotide position 32. The proline at codon 11 is replaced by leucine, an amino acid with similar properties. This amino acid position is conserved. In addition, this alteration is predicted to be tolerated by in silico analysis. Since supporting evidence is limited at this time, the clinical significance of this alteration remains unclear.

NM_052947.4(ALPK2):c.32C>T (p.Pro11Leu)

Gene: ALPK2 (alpha kinase 2; minus strand). Cytogenetic location: 18q21.32.
Variant type: single nucleotide variant.
Coding change: c.32C>T on transcript NM_052947.4 (MANE Select); coding-DNA position 32, C replaced by T.
Protein change: p.Pro11Leu; replaces proline 11 with leucine.
Molecular consequence: missense variant.
Genome position (GRCh38, 1-based): chr18:58,611,766, G>A on the plus strand (C>T on the coding strand, the complement: ALPK2 is on the minus strand). VCF-style: chr18-58611766-G-A. GRCh37 (hg19) VCF-style: chr18-56278998-G-A.
Other names: short protein forms P11L.
Identifiers: ClinVar variation 2276993 (VCV002276993.2), dbSNP rs201551297, ClinGen allele CA8977562.
Genomic context (GRCh38, chr18:58,611,766, plus strand): 5'-AGCACAGCGTCTGACTTCTCAGGAACCTTCTGGGAAAGCAATGTAGATAAAAAACACAGC[G>A]GGGGCCTCTGGGGCCCTTCGGAGTCTTTCATCCTTTCATGCCGCACCAAATCTGAAAAAA-3'
Protein context (NP_443179.3, residues 1-21): MKDSEGPQRP[Pro11Leu]LCFLSTLLSQ